The following is an entry in ClinVar:

NM_177438.3(DICER1):c.3111C>G (p.Leu1037=)

Gene: DICER1 (dicer 1, ribonuclease III; minus strand). Cytogenetic location: 14q32.13.
Variant type: single nucleotide variant.
Coding change: c.3111C>G on transcript NM_177438.3 (MANE Select); coding-DNA position 3111, C replaced by G.
Protein change: p.Leu1037=; no amino-acid change (leucine 1037 retained).
Molecular consequence: synonymous variant.
Genome position (GRCh38, 1-based): chr14:95,105,229, G>C on the plus strand (C>G on the coding strand, the complement: DICER1 is on the minus strand). VCF-style: chr14-95105229-G-C. GRCh37 (hg19) VCF-style: chr14-95571566-G-C.
Other names: c.3111C>G (NM_177438.2); c.3111C>G, p.Leu1037= (NM_001195573.1, NM_001271282.3, NM_001291628.2 and 1 more transcripts).
Identifiers: ClinVar variation 1095345 (VCV001095345.13), dbSNP rs1488681878, ClinGen allele CA487626931.

ClinVar aggregate classification (germline): Conflicting classifications of pathogenicity. Review status: criteria provided, conflicting classifications (1 of 4 stars). 4 submissions from 4 submitters: Uncertain significance (1); Benign (1); Likely benign (2). Last evaluated 2026-04-17.

Conditions:
DICER1-related tumor predisposition. Also called: DICER1 syndrome; DICER1-related pleuropulmonary blastoma cancer predisposition syndrome. Identifiers: Orphanet 284343, MedGen C3839822, MONDO:0100216.
Hereditary cancer-predisposing syndrome. Also called: Neoplastic Syndromes, Hereditary; Tumor predisposition; Hereditary Cancer Syndrome; Hereditary neoplastic syndrome. Identifiers: Orphanet 140162, MedGen C0027672, MeSH D009386, MONDO:0015356.

gnomAD v4.1: 1 of 1,613,600 alleles (0.000062%); no homozygotes.

Submissions (4):

Myriad Genetics, Inc.
Classification: Benign for DICER1-related tumor predisposition. Last evaluated: 2026-04-17. Review status: criteria provided, single submitter. Criteria: Myriad Autosomal Dominant, Autosomal Recessive and X-Linked Classification Criteria (2023). Collection method: clinical testing. Allele origin: unknown.
Comment: This variant is considered benign. This variant is a silent/synonymous amino acid change and it is not expected to impact splicing.

Labcorp Genetics (formerly Invitae), Labcorp
Classification: Likely benign for DICER1-related tumor predisposition. Last evaluated: 2026-01-07. Review status: criteria provided, single submitter. Criteria: Invitae Variant Classification Sherloc (09022015). Collection method: clinical testing. Allele origin: germline.

Hereditary Cancer Group, L’Institut d'Investigació Biomèdica de Bellvitge
Classification: Uncertain significance for Hereditary cancer-predisposing syndrome. Last evaluated: 2024-12-19. Review status: criteria provided, single submitter. Criteria: Hatton et al. (Hum Mutat. 2023). Collection method: clinical testing. Allele origin: germline. Inheritance: Autosomal dominant inheritance. Affected: yes.
Comment: PM2_supporting, BP4

Ambry Genetics
Classification: Likely benign for Hereditary cancer-predisposing syndrome. Last evaluated: 2024-09-08. Review status: criteria provided, single submitter. Criteria: Ambry Variant Classification Scheme 2023. Collection method: clinical testing. Allele origin: germline.